The following is an entry in ClinVar:

ClinVar aggregate classification (germline): Uncertain significance (1 of 4 stars; one submission).

Allele frequency attached by ClinVar (database versions not stated): TOPMed below 0.00001.

Submission:

Labcorp Genetics (formerly Invitae), Labcorp
Classification: Uncertain significance. Last evaluated: 2021-09-20. Review status: criteria provided, single submitter. Criteria: Invitae Variant Classification Sherloc (09022015). Collection method: clinical testing. Allele origin: germline.
Comment: This sequence change replaces asparagine with lysine at codon 326 of the CAD protein (p.Asn326Lys). The asparagine residue is weakly conserved and there is a moderate physicochemical difference between asparagine and lysine. This variant is not present in population databases (ExAC no frequency). This variant has not been reported in the literature in individuals affected with CAD-related conditions. Algorithms developed to predict the effect of missense changes on protein structure and function (SIFT, PolyPhen-2, Align-GVGD) all suggest that this variant is likely to be tolerated. In summary, the available evidence is currently insufficient to determine the role of this variant in disease. Therefore, it has been classified as a Variant of Uncertain Significance.

NM_004341.5(CAD):c.978C>A (p.Asn326Lys)

Gene: CAD (carbamoyl-phosphate synthetase 2, aspartate transcarbamylase, and dihydroorotase; plus strand). Cytogenetic location: 2p23.3.
Variant type: single nucleotide variant.
Coding change: c.978C>A on transcript NM_004341.5 (MANE Select); coding-DNA position 978, C replaced by A.
Protein change: p.Asn326Lys; replaces asparagine 326 with lysine.
Molecular consequence: missense variant.
Genome position (GRCh38, 1-based): chr2:27,223,731, C>A. VCF-style: chr2-27223731-C-A. GRCh37 (hg19) VCF-style: chr2-27446599-C-A.
Other names: c.978C>A, p.Asn326Lys (NM_001306079.2); short protein forms N326K.
Identifiers: ClinVar variation 1438552 (VCV001438552.6), dbSNP rs1675293569, ClinGen allele CA346202310.
Genomic context (GRCh38, chr2:27,223,731, plus strand): 5'-AGACTGGGCTCCTCTCTTCACCAACGCCAATGATGGTTCCAATGAAGGCATTGTGCACAA[C>A]AGCTTGCCTTTCTTCAGGTGAGCCTGGTTGACTGGGTCTGTGAAAATTTGAAGCCCTGTG-3'
Protein context (NP_004332.2, residues 316-336): NDGSNEGIVH[Asn326Lys]SLPFFSVQFH